The following is an entry in ClinVar:

ClinVar aggregate classification (germline): Uncertain significance. Review status: criteria provided, multiple submitters, no conflicts (2 of 4 stars). 2 submissions from 2 submitters: Uncertain significance (2). Last evaluated 2025-10-15.

Conditions:
Cardiovascular phenotype. Identifiers: MedGen CN230736.
Long QT syndrome (LQTS). Identifiers: MedGen C0023976, MeSH D008133, MONDO:0002442. Disease mechanism: loss of function. Inheritance: Various modes of inheritance.

gnomAD v4.1: 1 of 1,564,070 alleles (0.000064%); no homozygotes.

Submissions (2):

Ambry Genetics
Classification: Uncertain significance for Cardiovascular phenotype. Last evaluated: 2025-10-15. Review status: criteria provided, single submitter. Criteria: Ambry Variant Classification Scheme 2023. Collection method: clinical testing. Allele origin: germline.
Comment: The p.K557R variant (also known as c.1670A>G), located in coding exon 13 of the KCNQ1 gene, results from an A to G substitution at nucleotide position 1670. The lysine at codon 557 is replaced by arginine, an amino acid with highly similar properties. This amino acid position is highly conserved in available vertebrate species. In addition, this alteration is predicted to be deleterious by in silico analysis. Since supporting evidence is limited at this time, the clinical significance of this alteration remains unclear.

All of Us Research Program, National Institutes of Health
Classification: Uncertain significance for Long QT syndrome. Last evaluated: 2024-03-05. Review status: criteria provided, single submitter. Criteria: ACMG Guidelines, 2015. Collection method: clinical testing. Allele origin: germline. Inheritance: Autosomal dominant inheritance. Observed: 1 variant allele, 1 heterozygote.
Comment: This study involves interpretation of variants in research participants for the purpose of population health screening. Participant phenotype was not available at the time of variant classification. Additional details can be found in publication PMID: 35346344, PMCID: PMC8962531

NM_000218.3(KCNQ1):c.1670A>G (p.Lys557Arg)

Gene: KCNQ1 (potassium voltage-gated channel subfamily Q member 1; plus strand). Cytogenetic location: 11p15.5.
Variant type: single nucleotide variant.
Coding change: c.1670A>G on transcript NM_000218.3 (MANE Select); coding-DNA position 1670, A replaced by G.
Protein change: p.Lys557Arg; replaces lysine 557 with arginine.
Molecular consequence: missense variant.
Genome position (GRCh38, 1-based): chr11:2,776,039, A>G. VCF-style: chr11-2776039-A-G. GRCh37 (hg19) VCF-style: chr11-2797269-A-G.
Other names: c.1574A>G, p.Lys525Arg (NM_001406836.1); c.1400A>G, p.Lys467Arg (NM_001406837.1); c.1130A>G, p.Lys377Arg (NM_001406838.1); c.1289A>G, p.Lys430Arg (NM_181798.2); short protein forms K377R, K430R, K467R, K525R, K557R.
Identifiers: ClinVar variation 2587404 (VCV002587404.4), dbSNP rs2494139093, ClinGen allele CA379139219.